The following is an entry in ClinVar:

ClinVar aggregate classification (germline): Uncertain significance. Review status: reviewed by expert panel (3 of 4 stars). 16 submissions from 16 submitters: Uncertain significance (1). 15 of the submissions do not count toward it. Last evaluated 2021-03-22.

Conditions:
Cardiovascular phenotype. Identifiers: MedGen CN230736.
MYH7-related disorder. Also called: MYH7-related condition; MYH7-related disease; MYH7-related disorders.
Congenital myopathy with fiber type disproportion. Also called: Congenital fiber-type disproportion myopathy; Congenital fiber-type disproportion. Identifiers: Orphanet 2020, MedGen C0546264, MONDO:0009711. Inheritance: all.
MYH7-related skeletal myopathy. Also called: MYOPATHY, DISTAL, EARLY-ONSET, AUTOSOMAL DOMINANT; MYOPATHY, LATE DISTAL HEREDITARY; Laing early-onset distal myopathy; Laing distal myopathy; Myopathy, distal, 1. Identifiers: Orphanet 59135, MedGen C4552004, MONDO:0008050, OMIM 160500.
Hypertrophic cardiomyopathy 1 (CMH1). Also called: Familial hypertrophic cardiomyopathy 1; MYH7-Related Familial Hypertrophic Cardiomyopathy. Identifiers: MedGen C3495498, MONDO:0008647, OMIM 192600.
Myopathy, myosin storage, autosomal recessive (CMYO7B). Also called: CONGENITAL MYOPATHY 7B, MYOSIN STORAGE, AUTOSOMAL RECESSIVE. Identifiers: Orphanet 636970, MedGen C1850709, MONDO:0009708, OMIM 255160.
Dilated cardiomyopathy 1S (CMD1S). Identifiers: Orphanet 154, Orphanet 54260, MedGen C1834481, MONDO:0013262, OMIM 613426.
Myosin storage myopathy (CMYO7A). Also called: MYOPATHY WITH LYSIS OF TYPE I MYOFIBRILS; MYOPATHY, HYALINE BODY, AUTOSOMAL DOMINANT; Scapuloperoneal myopathy, MYH7-related; MYH7-related late-onset scapuloperoneal muscular dystrophy; Congenital myopathy 7A, myosin storage, autosomal dominant; SCAPULOPERONEAL MUSCULAR DYSTROPHY. Identifiers: Orphanet 437572, Orphanet 636965, MedGen C1842160, MONDO:0008409, OMIM 608358.
Cardiomyopathy (CMYO). Also called: Cardiomyopathies. Identifiers: Orphanet 167848, MedGen C0878544, MONDO:0004994, HP:0001638. Inheritance: Various modes of inheritance.
Hypertrophic cardiomyopathy. Also called: HYPERTROPHIC MYOCARDIOPATHY. Identifiers: Orphanet 217569, MedGen C0007194, MeSH D002312, MONDO:0005045, HP:0001639.

Allele frequency attached by ClinVar (database versions not stated): ExAC 0.00003; gnomAD exomes 0.00004 and 0.00007; gnomAD 0.00006; TOPMed 0.00006.
gnomAD v4.1: 116 of 1,612,342 alleles (0.0072%); highest among the groups gnomAD compares: Non-Finnish European, 0.0097%; no homozygotes.

Submissions 1 to 10 of 16:

ClinGen Cardiomyopathy Variant Curation Expert Panel
Classification: Uncertain significance for Hypertrophic cardiomyopathy. Last evaluated: 2021-03-22. Review status: reviewed by expert panel. Criteria: ClinGen CMP ACMG Specifications v1. Collection method: curation. Allele origin: germline. Inheritance: Autosomal dominant inheritance.
Comment: The c.4283T>C (p.Leu1428Ser) variant in MYH7 has been reported in at least 2 individuals with HCM (Alfares 2015 PMID:25611685; Murphy 2016 PMID:26914223; Homburger 2016 PMID:27247418; Walsh 2017 PMID:27532257; LMM per. comm.), but has also been identified in 0.0053% (FAF 95% CI, 12/129150) of non-Finnish European chromosomes in gnomAD v2.1.1. Since the MYH7 specifications state that PS4 is only applicable if the variant is absent or rare in large population studies, PS4 criterion was not applied (Kelly 2018 PMID:29300372). Computational prediction tools and conservation analysis suggest that this variant may impact the protein (PP3). In summary, due to a lack of evidence, this variant meets criteria to be classified as uncertain significance for hypertrophic cardiomyopathy in an autosomal dominant manner. MYH7-specific ACMG/AMP criteria applied (Kelly 2018 PMID:29300372): PP3

PreventionGenetics, part of Exact Sciences
Classification: Uncertain significance for MYH7-related condition. Last evaluated: 2026-05-28. Review status: criteria provided, single submitter. Criteria: ACMG Guidelines, 2015. Collection method: clinical testing. Allele origin: germline. Not counted in ClinVar's aggregate classification.
Comment: The MYH7 c.4283T>C variant is predicted to result in the amino acid substitution p.Leu1428Ser. This variant has been reported in multiple individuals with hypertrophic cardiomyopathy (Table S1, Murphy et al. 2016. PubMed ID: 26914223; Table S1, Alfares et al. 2015. PubMed ID: 25611685; Table S1B, Walsh et al. 2016. PubMed ID: 27532257; Table S1, Ho et al. 2010. PubMed ID: 20818890). This variant is reported in 0.0093% of alleles in individuals of European (non-Finnish) descent in gnomAD and is interpreted as uncertain by the ClinGen Cardiomyopathy Variant Curation Expert Panel in ClinVar (Variation ID: 164289). At this time, the clinical significance of this variant is uncertain due to the absence of conclusive functional and genetic evidence.

Labcorp Genetics (formerly Invitae), Labcorp
Classification: Uncertain significance for Hypertrophic cardiomyopathy. Last evaluated: 2026-01-27. Review status: criteria provided, single submitter. Criteria: Invitae Variant Classification Sherloc (09022015). Collection method: clinical testing. Allele origin: germline. Not counted in ClinVar's aggregate classification.
Comment: This sequence change replaces leucine, which is neutral and non-polar, with serine, which is neutral and polar, at codon 1428 of the MYH7 protein (p.Leu1428Ser). This variant is present in population databases (rs727503244, gnomAD 0.009%). This missense change has been observed in individual(s) with hypertrophic cardiomyopathy (PMID: 20818890, 25611685, 26914223, 27224906, 27247418, 37652022). ClinVar contains an entry for this variant (Variation ID: 164289). Invitae Evidence Modeling of protein sequence and biophysical properties (such as structural, functional, and spatial information, amino acid conservation, physicochemical variation, residue mobility, and thermodynamic stability) indicates that this missense variant is expected to disrupt MYH7 protein function with a positive predictive value of 95%. In summary, the available evidence is currently insufficient to determine the role of this variant in disease. Therefore, it has been classified as a Variant of Uncertain Significance.

GeneDx
Classification: Uncertain significance. Last evaluated: 2025-02-14. Review status: criteria provided, single submitter. Criteria: GeneDx Variant Classification Process June 2021. Collection method: clinical testing. Allele origin: germline. Affected: yes. Not counted in ClinVar's aggregate classification.
Comment: Reported in association with hypertrophic cardiomyopathy (PMID: 25611685, 20818890, 27247418, 26914223, 27532257); In silico analysis supports that this missense variant has a deleterious effect on protein structure/function; This variant is associated with the following publications: (PMID: 27247418, 26914223, 27532257, 27224906, 20818890, 25611685, 34542152, 28606303, 36264615, 37652022, 37849393)

Ambry Genetics
Classification: Uncertain significance for Cardiovascular phenotype. Last evaluated: 2024-12-02. Review status: criteria provided, single submitter. Criteria: Ambry Variant Classification Scheme 2023. Collection method: clinical testing. Allele origin: germline. Not counted in ClinVar's aggregate classification.
Comment: The p.L1428S variant (also known as c.4283T>C), located in coding exon 29 of the MYH7 gene, results from a T to C substitution at nucleotide position 4283. The leucine at codon 1428 is replaced by serine, an amino acid with dissimilar properties. This variant has been reported in a few hypertrophic cardiomyopathy cohorts; however, clinical details were limited (Ho CY et al. N. Engl. J. Med. 2010;363:552-63; Alfares AA et al. Genet. Med. 2015;17:880-8; Murphy SL et al. J Cardiovasc Transl Res. 2016;9:153-61). This amino acid position is highly conserved in available vertebrate species. In addition, this alteration is predicted to be deleterious by in silico analysis. Since supporting evidence is limited at this time, the clinical significance of this alteration remains unclear.

Color Diagnostics, LLC DBA Color Health
Classification: Uncertain significance for Cardiomyopathy. Last evaluated: 2024-02-08. Review status: criteria provided, single submitter. Criteria: ACMG Guidelines, 2015. Collection method: clinical testing. Allele origin: germline. Not counted in ClinVar's aggregate classification.
Comment: This missense variant replaces leucine with serine at codon 1428 of the MYH7 protein. Computational prediction tools indicate that this variant has a deleterious impact on protein structure and function. To our knowledge, functional studies have not been reported for this variant. This variant has been reported in three individuals affected with hypertrophic cardiomyopathy (PMID: 20818890, 26914223, 27532257, 33495597), and in one individual affected with dilated cardiomyopathy (PMID: 35026164). This variant has been identified in 12/282834 chromosomes in the general population by the Genome Aggregation Database (gnomAD). The available evidence is insufficient to determine the role of this variant in disease conclusively. Therefore, this variant is classified as a Variant of Uncertain Significance.

Clinical Genetics Laboratory, Skane University Hospital Lund
Classification: Uncertain significance. Last evaluated: 2023-10-24. Review status: criteria provided, single submitter. Criteria: ACMG Guidelines, 2015. Collection method: clinical testing. Allele origin: germline. Affected: yes. Not counted in ClinVar's aggregate classification.

Blueprint Genetics
Classification: Uncertain significance. Last evaluated: 2022-02-25. Review status: criteria provided, single submitter. Criteria: ACMG Guidelines, 2015. Collection method: clinical testing. Allele origin: germline. Not counted in ClinVar's aggregate classification.

CHEO Genetics Diagnostic Laboratory, Children's Hospital of Eastern Ontario
Classification: Uncertain significance for Cardiomyopathy. Last evaluated: 2022-01-07. Review status: criteria provided, single submitter. Criteria: ACMG Guidelines, 2015. Collection method: clinical testing. Allele origin: germline. Not counted in ClinVar's aggregate classification.

Fulgent Genetics
Classification: Uncertain significance for MYH7-related skeletal myopathy; Myosin storage myopathy; Hypertrophic cardiomyopathy 1; Myopathy, myosin storage, autosomal recessive; Congenital myopathy 4A, autosomal dominant; Dilated cardiomyopathy 1S. Last evaluated: 2021-11-05. Review status: criteria provided, single submitter. Criteria: ACMG Guidelines, 2015. Collection method: clinical testing. Allele origin: unknown. Not counted in ClinVar's aggregate classification.

NM_000257.4(MYH7):c.4283T>C (p.Leu1428Ser)

Genes: MHRT (myosin heavy chain associated RNA transcript; plus strand), MYH7 (myosin heavy chain 7; minus strand). Cytogenetic location: 14q11.2.
Variant type: single nucleotide variant.
Coding change: c.4283T>C on transcript NM_000257.4 (MANE Select); coding-DNA position 4283, T replaced by C.
Protein change: p.Leu1428Ser; replaces leucine 1428 with serine.
Molecular consequence: missense variant. On other transcripts: non-coding transcript variant (1).
Genome position (GRCh38, 1-based): chr14:23,417,573, A>G on the plus strand (T>C on the coding strand, the complement: MYH7 is on the minus strand). VCF-style: chr14-23417573-A-G. GRCh37 (hg19) VCF-style: chr14-23886782-A-G.
Other names: p.L1428S:TTG>TCG; NM_000257.4(MYH7):c.4283T>C; short protein forms L1428S.
Identifiers: ClinVar variation 164289 (VCV000164289.41), dbSNP rs727503244, ClinGen allele CA014765.